The following is an entry in ClinVar:

ClinVar aggregate classification (germline): Uncertain significance (1 of 4 stars; one submission).

Conditions:
Brachyolmia-amelogenesis imperfecta syndrome. Also called: Tooth agenesis, selective, 6; Dental anomalies and short stature; PLATYSPONDYLY WITH AMELOGENESIS IMPERFECTA. Identifiers: Orphanet 2899, MedGen C1832594, MONDO:0011018, OMIM 601216. Disease mechanism: loss of function.

Allele frequency attached by ClinVar (database versions not stated): TOPMed 0.00001.

Submission:

Labcorp Genetics (formerly Invitae), Labcorp
Classification: Uncertain significance for Brachyolmia-amelogenesis imperfecta syndrome. Last evaluated: 2023-01-18. Review status: criteria provided, single submitter. Criteria: Invitae Variant Classification Sherloc (09022015). Collection method: clinical testing. Allele origin: germline.
Comment: In summary, the available evidence is currently insufficient to determine the role of this variant in disease. Therefore, it has been classified as a Variant of Uncertain Significance. Algorithms developed to predict the effect of missense changes on protein structure and function are either unavailable or do not agree on the potential impact of this missense change (SIFT: "Tolerated"; PolyPhen-2: "Probably Damaging"; Align-GVGD: "Class C0"). ClinVar contains an entry for this variant (Variation ID: 1356418). This variant has not been reported in the literature in individuals affected with LTBP3-related conditions. This variant is not present in population databases (gnomAD no frequency). This sequence change replaces leucine, which is neutral and non-polar, with phenylalanine, which is neutral and non-polar, at codon 878 of the LTBP3 protein (p.Leu878Phe).

NM_001130144.3(LTBP3):c.2632C>T (p.Leu878Phe)

Gene: LTBP3 (latent transforming growth factor beta binding protein 3; minus strand). Cytogenetic location: 11q13.1.
Variant type: single nucleotide variant.
Coding change: c.2632C>T on transcript NM_001130144.3 (MANE Select); coding-DNA position 2632, C replaced by T.
Protein change: p.Leu878Phe; replaces leucine 878 with phenylalanine.
Molecular consequence: missense variant.
Genome position (GRCh38, 1-based): chr11:65,541,693, G>A on the plus strand (C>T on the coding strand, the complement: LTBP3 is on the minus strand). VCF-style: chr11-65541693-G-A. GRCh37 (hg19) VCF-style: chr11-65309164-G-A.
Other names: c.2281C>T, p.Leu761Phe (NM_001164266.1); c.2632C>T, p.Leu878Phe (NM_021070.4); short protein forms L878F, L761F.
Identifiers: ClinVar variation 1356418 (VCV001356418.8), dbSNP rs1006876203, ClinGen allele CA224010828.